The following is an entry in ClinVar:

ClinVar aggregate classification (germline): Uncertain significance (1 of 4 stars; one submission).

Conditions:
Very long chain acyl-CoA dehydrogenase deficiency (ACADVLD). Also called: VLCAD Deficiency; Very Long-Chain Acyl-Coenzyme A Dehydrogenase Deficiency. Identifiers: Orphanet 26793, MedGen C3887523, MONDO:0008723, OMIM 201475.

Submission:

Labcorp Genetics (formerly Invitae), Labcorp
Classification: Uncertain significance for Very long chain acyl-CoA dehydrogenase deficiency. Last evaluated: 2022-07-29. Review status: criteria provided, single submitter. Criteria: Invitae Variant Classification Sherloc (09022015). Collection method: clinical testing. Allele origin: germline.
Comment: This sequence change replaces arginine, which is basic and polar, with glutamine, which is neutral and polar, at codon 37 of the ACADVL protein (p.Arg37Gln). This variant is not present in population databases (gnomAD no frequency). This variant has not been reported in the literature in individuals affected with ACADVL-related conditions. Algorithms developed to predict the effect of missense changes on protein structure and function output the following: SIFT: "Tolerated"; PolyPhen-2: "Not Available"; Align-GVGD: "Class C0". The glutamine amino acid residue is found in multiple mammalian species, which suggests that this missense change does not adversely affect protein function. Algorithms developed to predict the effect of sequence changes on RNA splicing suggest that this variant may create or strengthen a splice site. In summary, the available evidence is currently insufficient to determine the role of this variant in disease. Therefore, it has been classified as a Variant of Uncertain Significance.

NM_000018.4(ACADVL):c.110G>A (p.Arg37Gln)

Genes: ACADVL (acyl-CoA dehydrogenase very long chain; plus strand), LOC130060113 (ATAC-STARR-seq lymphoblastoid silent region 8088; plus strand). Cytogenetic location: 17p13.1.
Variant type: single nucleotide variant.
Coding change: c.110G>A on transcript NM_000018.4 (MANE Select); coding-DNA position 110, G replaced by A.
Protein change: p.Arg37Gln; replaces arginine 37 with glutamine.
Molecular consequence: missense variant. On other transcripts: 5 prime UTR variant (1).
Genome position (GRCh38, 1-based): chr17:7,220,169, G>A. VCF-style: chr17-7220169-G-A. GRCh37 (hg19) VCF-style: chr17-7123488-G-A.
Other names: c.110G>A, p.Arg37Gln (NM_001033859.3); c.179G>A, p.Arg60Gln (NM_001270447.2); c.-119G>A (NM_001270448.2); short protein forms R60Q, R37Q.
Identifiers: ClinVar variation 1936372 (VCV001936372.2), dbSNP rs2508236993, ClinGen allele CA397722106.